The following is an entry in ClinVar:

ClinVar aggregate classification (germline): Uncertain significance (1 of 4 stars; one submission).

Conditions:
Autosomal recessive limb-girdle muscular dystrophy type 2A (LGMDR1). Also called: LEYDEN-MOEBIUS MUSCULAR DYSTROPHY; MUSCULAR DYSTROPHY, PELVOFEMORAL; Calpainopathy; Limb-girdle muscular dystrophy, type 2A; Muscular dystrophy, limb-girdle, type 2A, Amish. Identifiers: Orphanet 267, MedGen C1869123, MONDO:0009675, OMIM 253600. Disease mechanism: loss of function.

Allele frequency attached by ClinVar (database versions not stated): TOPMed below 0.00001; gnomAD exomes below 0.00001.
gnomAD v4.1: 7 of 1,613,912 alleles (0.00043%); highest among the groups gnomAD compares: Non-Finnish European, 0.00051%; no homozygotes.

Submission:

Labcorp Genetics (formerly Invitae), Labcorp
Classification: Uncertain significance for Autosomal recessive limb-girdle muscular dystrophy type 2A. Last evaluated: 2025-01-08. Review status: criteria provided, single submitter. Criteria: Invitae Variant Classification Sherloc (09022015). Collection method: clinical testing. Allele origin: germline.
Comment: This sequence change affects codon 315 of the CAPN3 mRNA. It is a 'silent' change, meaning that it does not change the encoded amino acid sequence of the CAPN3 protein. This variant also falls at the last nucleotide of exon 6, which is part of the consensus splice site for this exon. This variant is not present in population databases (gnomAD no frequency). This variant has been observed in individual(s) with autosomal recessive limb-girdle muscular dystrophy and/or clinical features of autosomal recessive limb-girdle muscular dystrophy (PMID: 28915917; internal data). This variant is also known as Arg315Arg. ClinVar contains an entry for this variant (Variation ID: 1902598). Variants that disrupt the consensus splice site are a relatively common cause of aberrant splicing (PMID: 17576681, 9536098). Algorithms developed to predict the effect of sequence changes on RNA splicing suggest that this variant may disrupt the consensus splice site. In summary, the available evidence is currently insufficient to determine the role of this variant in disease. Therefore, it has been classified as a Variant of Uncertain Significance.

Literature cited by the submitters: PubMed 28915917; PubMed 17576681; PubMed 9536098.

NM_000070.3(CAPN3):c.945G>C (p.Arg315=)

Gene: CAPN3 (calpain 3; plus strand). Cytogenetic location: 15q15.1.
Variant type: single nucleotide variant.
Coding change: c.945G>C on transcript NM_000070.3 (MANE Select); coding-DNA position 945, G replaced by C.
Protein change: p.Arg315=; no amino-acid change (arginine 315 retained).
Molecular consequence: synonymous variant. On other transcripts: intron variant (1).
Genome position (GRCh38, 1-based): chr15:42,390,096, G>C. VCF-style: chr15-42390096-G-C. GRCh37 (hg19) VCF-style: chr15-42682294-G-C.
Other names: c.945G>C, p.Arg315= (NM_024344.2); c.684G>C, p.Arg228= (NM_212464.2); c.*638G>C (NM_212467.2); c.801+1000G>C (NM_173087.2).
Identifiers: ClinVar variation 1902598 (VCV001902598.4), dbSNP rs2053515486, ClinGen allele CA489879005.